The following is an entry in ClinVar:

NM_001077350.3(NPRL3):c.393+4_393+7del

Genes: HBA-LCR (alpha-globin locus control region; plus strand), NPRL3 (NPR3 like, GATOR1 complex subunit; minus strand). Cytogenetic location: 16p13.3.
Variant type: Deletion.
Coding change: c.393+4_393+7del on transcript NM_001077350.3 (MANE Select); bases 4 to 7 of the intron after coding-DNA position 393, 4 bases deleted (AGTG; older notation c.393+4_393+7delAGTG).
Molecular consequence: splice donor variant. On other transcripts: intron variant (3).
Genome position (GRCh38, 1-based): chr16:117,294-117,297, CACT deleted on the plus strand (AGTG on the coding strand, the reverse complement: NPRL3 is on the minus strand); deleting any 4 consecutive bases within chr16:117,294-117,300 gives the same sequence; the c. name uses the placement nearest the transcript's 3' end. VCF-style (leftmost placement, unchanged base first): chr16-117293-ACACT-A. GRCh37 (hg19) VCF-style: chr16-167292-ACACT-A.
Other names: c.159+4_159+7del (NM_001243247.2); c.318+1829_318+1832del (NM_001243248.2, NM_001243249.2); c.-144-4522_-144-4519del (NM_001039476.3); c.393+4_393+7delAGTG (NM_001077350.2).
Identifiers: ClinVar variation 1519281 (VCV001519281.8), dbSNP rs757371554, ClinGen allele CA7769686.

ClinVar aggregate classification (germline): Uncertain significance. Review status: criteria provided, multiple submitters, no conflicts (2 of 4 stars). 2 submissions from 2 submitters: Uncertain significance (2). Last evaluated 2024-09-21.

Conditions:
Epilepsy, familial focal, with variable foci 3 (FFEVF3). Identifiers: MedGen C4310708, MONDO:0014925, OMIM 617118.

Submissions (2):

Victorian Clinical Genetics Services, Murdoch Childrens Research Institute
Classification: Uncertain significance for Epilepsy, familial focal, with variable foci 3. Last evaluated: 2024-09-21. Review status: criteria provided, single submitter. Criteria: ACMG Guidelines, 2015. Collection method: clinical testing. Allele origin: germline. Inheritance: Autosomal dominant inheritance. Affected: yes.
Comment: Based on the classification scheme VCGS_Germline_v1.3.4, this variant is classified as VUS-3A. Following criteria are met: 0102 - Loss of function is a known mechanism of disease in this gene and is associated with familial focal epilepsy with variable foci 3 (MIM#617118). (I) 0107 - This gene is associated with autosomal dominant disease. (I) 0112 - The condition associated with this gene has incomplete penetrance (OMIM, PMID: 26505888). (I) 0210 - Splice site variant proven to affect splicing of the transcript with a known effect on protein sequence. RT-PCR and Sanger sequencing of cDNA demonstrate alternate splicing of NPRL3 with preferential exclusion of exon 5 in brain-derived mRNA from a familial sample (Epilepsy Research Centre, Melbourne Brain Centre, Department of Medicine, University of Melbourne, Austin Health). Exon 5 is in-phase and is subject to alternative splicing in transcripts that show moderate expression in brain tissue (DECIPHER, GTEx). (SP) 0251 - This variant is heterozygous. (I) 0301 - Variant is absent from gnomAD (both v2 and v3). (SP) 0600 - Variant is located in an annotated domain. This variant results in exon 5 skipping which encodes a section of the nitrogen permease regulator of amino acid transport activity 3 domain (DECIPHER). (SP) 0705 - No comparable splice variants have previous evidence for pathogenicity. (I) 0807 - This variant has no previous evidence of pathogenicity. This variant has been classified as a VUS by a clinical laboratory in ClinVar; however the entry has some inconsistencies. (I) 1205 - This variant has been shown to be maternally inherited by an external laboratory (Epilepsy Research Centre, Melbourne Brain Centre, Department of Medicine, University of Melbourne, Austin Health). (I) Legend: (SP) - Supporting pathogenic, (I) - Information, (SB) - Supporting benign

Labcorp Genetics (formerly Invitae), Labcorp
Classification: Uncertain significance for Epilepsy, familial focal, with variable foci 3. Last evaluated: 2022-10-20. Review status: criteria provided, single submitter. Criteria: Invitae Variant Classification Sherloc (09022015). Collection method: clinical testing. Allele origin: germline.
Comment: This sequence change falls in intron 5 of the NPRL3 gene. It does not directly change the encoded amino acid sequence of the NPRL3 protein. It affects a nucleotide within the consensus splice site. This variant is present in population databases (rs757371554, gnomAD 0.0009%). This variant has not been reported in the literature in individuals affected with NPRL3-related conditions. ClinVar contains an entry for this variant (Variation ID: 1519281). Variants that disrupt the consensus splice site are a relatively common cause of aberrant splicing (PMID: 17576681, 9536098). Algorithms developed to predict the effect of sequence changes on RNA splicing suggest that this variant may disrupt the consensus splice site. In summary, the available evidence is currently insufficient to determine the role of this variant in disease. Therefore, it has been classified as a Variant of Uncertain Significance.

Literature cited by the submitters: PubMed 26505888 (cited by Victorian Clinical Genetics Services, Murdoch Childrens Research Institute); PubMed 17576681 (cited by Labcorp Genetics (formerly Invitae), Labcorp); PubMed 9536098 (cited by Labcorp Genetics (formerly Invitae), Labcorp).